The following is an entry in ClinVar:

ClinVar aggregate classification (germline): Conflicting classifications of pathogenicity. Review status: criteria provided, conflicting classifications (1 of 4 stars). 2 submissions from 2 submitters: Uncertain significance (1); Likely benign (1). Last evaluated 2024-07-19.

Conditions:
Hereditary cancer-predisposing syndrome. Also called: Neoplastic Syndromes, Hereditary; Tumor predisposition; Hereditary neoplastic syndrome; Hereditary Cancer Syndrome. Identifiers: Orphanet 140162, MedGen C0027672, MeSH D009386, MONDO:0015356.
Hereditary breast ovarian cancer syndrome. Also called: Hereditary breast and ovarian cancer syndrome (HBOC); Hereditary breast and ovarian cancer; Hereditary breast and/or ovarian cancer syndrome; Hereditary breast and ovarian cancer syndrome; Breast and ovarian cancer; BRCA1- and BRCA2-Associated Hereditary Breast and Ovarian Cancer. Identifiers: Orphanet 145, MedGen C0677776, MeSH D061325, MONDO:0003582. Disease mechanism: loss of function.

Submissions (2):

Ambry Genetics
Classification: Likely benign for Hereditary cancer-predisposing syndrome. Last evaluated: 2024-07-19. Review status: criteria provided, single submitter. Criteria: Ambry Variant Classification Scheme 2023. Collection method: clinical testing. Allele origin: germline.

Labcorp Genetics (formerly Invitae), Labcorp
Classification: Uncertain significance for Hereditary breast ovarian cancer syndrome. Last evaluated: 2019-11-27. Review status: criteria provided, single submitter. Criteria: Invitae Variant Classification Sherloc (09022015). Collection method: clinical testing. Allele origin: germline.
Comment: This variant is not present in population databases (ExAC no frequency). This sequence change replaces leucine with isoleucine at codon 134 of the BRCA2 protein (p.Leu134Ile). The leucine residue is weakly conserved and there is a small physicochemical difference between leucine and isoleucine. This variant has been observed in individual(s) with a personal and/or family history of breast and/or ovarian cancer (PMID: 21120943). In summary, the available evidence is currently insufficient to determine the role of this variant in disease. Therefore, it has been classified as a Variant of Uncertain Significance. Algorithms developed to predict the effect of missense changes on protein structure and function are either unavailable or do not agree on the potential impact of this missense change (SIFT: "Tolerated"; PolyPhen-2: "Possibly Damaging"; Align-GVGD: "Class C0").

Literature cited by the submitters: PubMed 21120943 (cited by Labcorp Genetics (formerly Invitae), Labcorp).

NM_000059.4(BRCA2):c.400C>A (p.Leu134Ile)

Gene: BRCA2 (BRCA2 DNA repair associated; plus strand). Cytogenetic location: 13q13.1.
Variant type: single nucleotide variant.
Coding change: c.400C>A on transcript NM_000059.4 (MANE Select); coding-DNA position 400, C replaced by A.
Protein change: p.Leu134Ile; replaces leucine 134 with isoleucine.
Molecular consequence: missense variant.
Genome position (GRCh38, 1-based): chr13:32,325,159, C>A. VCF-style: chr13-32325159-C-A. GRCh37 (hg19) VCF-style: chr13-32899296-C-A.
Other names: short protein forms L134I.
Identifiers: ClinVar variation 839344 (VCV000839344.11), dbSNP rs2072335234, ClinGen allele CA387756706.